The following is an entry in ClinVar:

ClinVar aggregate classification (germline): Pathogenic/Likely pathogenic. Review status: criteria provided, multiple submitters, no conflicts (2 of 4 stars). 9 submissions from 9 submitters: Pathogenic (5); Likely pathogenic (3). 1 of the submissions does not count toward it. Last evaluated 2025-10-30.

Conditions:
ADGRG1-related disorder. Also called: ADGRG1-related condition.
Bilateral frontoparietal polymicrogyria. Also called: CEREBELLAR ATAXIA WITH NEURONAL MIGRATION DEFECT; CORTICAL DYSPLASIA, COMPLEX, WITH OTHER BRAIN MALFORMATIONS 14A (BILATERAL FRONTOPARIETAL). Identifiers: Orphanet 101070, MedGen C1847352, MONDO:0011738, OMIM 606854.

Allele frequency attached by ClinVar (database versions not stated): gnomAD exomes 0.00002 and 0.00001; TOPMed 0.00002; ExAC 0.00001; gnomAD 0.00003.

Submissions (9):

Natera, Inc.
Classification: Likely pathogenic for Bilateral frontoparietal polymicrogyria. Last evaluated: 2025-10-30. Review status: criteria provided, single submitter. Criteria: Natera Variant Classification Schema (03/2026). Collection method: clinical testing. Allele origin: germline.
Comment: The c.1693C>T variant in ADGRG1 is a missense variant predicted to cause substitution of arginine to tryptophan at amino acid 565. This variant is rare in the general population with a frequency below the threshold expected for the associated phenotype(s). This variant has been observed in one or more individuals affected with the associated recessive disease, as either homozygous or compound heterozygous with a second variant (PMID: 36861595, 15044805). Additionally, this variant has been observed to segregate in affected family members (PMID: 15044805). Computational prediction algorithms indicate this variant is likely to affect gene or protein function. Given the available evidence, this variant is classified as Likely Pathogenic.

Revvity Omics, Revvity
Classification: Likely pathogenic. Last evaluated: 2025-07-17. Review status: criteria provided, single submitter. Criteria: ACMG Guidelines, 2015. Collection method: clinical testing. Allele origin: germline.

Genomic Medicine Center of Excellence, King Faisal Specialist Hospital and Research Centre
Classification: Pathogenic for Bilateral frontoparietal polymicrogyria. Last evaluated: 2024-03-26. Review status: criteria provided, single submitter. Criteria: ACMG Guidelines, 2015. Collection method: clinical testing. Allele origin: germline.

Labcorp Genetics (formerly Invitae), Labcorp
Classification: Pathogenic. Last evaluated: 2024-02-01. Review status: criteria provided, single submitter. Criteria: Invitae Variant Classification Sherloc (09022015). Collection method: clinical testing. Allele origin: germline.
Comment: This sequence change replaces arginine, which is basic and polar, with tryptophan, which is neutral and slightly polar, at codon 565 of the ADGRG1 protein (p.Arg565Trp). This variant is present in population databases (rs121908464, gnomAD 0.008%). This missense change has been observed in individuals with bilateral frontoparietal polymicrogyria (PMID: 15044805, 19016831). It has also been observed to segregate with disease in related individuals. ClinVar contains an entry for this variant (Variation ID: 5831). Advanced modeling of protein sequence and biophysical properties (such as structural, functional, and spatial information, amino acid conservation, physicochemical variation, residue mobility, and thermodynamic stability) has been performed at Invitae for this missense variant, however the output from this modeling did not meet the statistical confidence thresholds required to predict the impact of this variant on ADGRG1 protein function. Experimental studies have shown that this missense change affects ADGRG1 function (PMID: 21349848, 24949629, 28424266). For these reasons, this variant has been classified as Pathogenic.

Blueprint Genetics
Classification: Pathogenic for ADGRG1-related disorders. Last evaluated: 2019-11-26. Review status: criteria provided, single submitter. Criteria: ACMG Guidelines, 2015. Collection method: clinical testing. Allele origin: germline. Affected: yes. Observed: 2 variant alleles.

CeGaT Center for Human Genetics Tuebingen
Classification: Pathogenic. Last evaluated: 2018-10-01. Review status: criteria provided, single submitter. Criteria: CeGaT Center For Human Genetics Tuebingen Variant Classification Criteria Version 2. Collection method: clinical testing. Allele origin: germline. Affected: yes. Observed: 1 variant allele.

GeneDx
Classification: Likely pathogenic. Last evaluated: 2016-09-27. Review status: criteria provided, single submitter. Criteria: GeneDx Variant Classification (06012015). Collection method: clinical testing. Allele origin: germline. Affected: yes.
Comment: The R565W variant in the GPR56 gene has been reported previously in the homozygous state in multiple children affected with bilateral frontoparietal polymicrogyria (Piao et al., 2004; Piao et al., 2005). Functional studies show that cells transfected with R565W demonstrate a lack of surface expression (Ke et al., 2008; Luo et al., 2014). The R565W variant was not observed in approximately 6500 individuals of European and African American ancestry in the NHLBI Exome Sequencing Project, indicating it is not a common benign variant in these populations. The R565W variant is a non-conservative amino acid substitution, which occurs at a position that is not conserved. Therefore, the R565W variant is a strong candidate for a pathogenic variant.

Neuberg Centre For Genomic Medicine, NCGM
Classification: Pathogenic for Bilateral frontoparietal polymicrogyria. Review status: criteria provided, single submitter. Criteria: ACMG Guidelines, 2015. Collection method: clinical testing. Allele origin: germline. Affected: yes.
Comment: The missense variant p.R565W in ADGRG1 (NM_005682.7) has been previously reported in mutliple affected indviduals (Chiang NY et al).Functional studies have shown a damaging effect (Luo R et al). The variant has been submitted to ClinVar as Pathogenic. The p.R565W variant is observed in 1/34,456 (0.0029%) alleles from individuals of Latino background in gnomAD Exomes and is novel (not in any individuals) in 1000 Genomes. The p.R565W missense variant is predicted to be damaging by both SIFT and PolyPhen2. The nucleotide c.1693 in ADGRG1 is predicted conserved by GERP++ and PhyloP across 100 vertebrates. For these reasons, this variant has been classified as Pathogenic.

OMIM
Classification: Pathogenic for CORTICAL DYSPLASIA, COMPLEX, WITH OTHER BRAIN MALFORMATIONS 14A (BILATERAL FRONTOPARIETAL). Last evaluated: 2011-07-01. Review status: no assertion criteria provided. Collection method: literature only. Allele origin: germline. Not counted in ClinVar's aggregate classification.

Literature cited by the submitters: PubMed 36861595 (cited by Natera, Inc.); PubMed 15044805 (cited by 3 submitters); PubMed 19016831 (cited by Labcorp Genetics (formerly Invitae), Labcorp and OMIM); PubMed 21349848 (cited by Labcorp Genetics (formerly Invitae), Labcorp); PubMed 24949629 (cited by Labcorp Genetics (formerly Invitae), Labcorp); PubMed 28424266 (cited by Labcorp Genetics (formerly Invitae), Labcorp); PubMed 16240336 (cited by OMIM); PubMed 21723461 (cited by OMIM).

NM_201525.4(ADGRG1):c.1675C>T (p.Arg559Trp)

Gene: ADGRG1 (adhesion G protein-coupled receptor G1; plus strand). Cytogenetic location: 16q21.
Variant type: single nucleotide variant.
Coding change: c.1675C>T on transcript NM_201525.4 (MANE Select); coding-DNA position 1675, C replaced by T.
Protein change: p.Arg559Trp; replaces arginine 559 with tryptophan.
Molecular consequence: missense variant.
Genome position (GRCh38, 1-based): chr16:57,661,707, C>T. VCF-style: chr16-57661707-C-T. GRCh37 (hg19) VCF-style: chr16-57695619-C-T.
Other names: c.1675C>T, p.Arg559Trp (NM_001145770.3, NM_001145772.3, NM_001145774.3 and 7 more transcripts); c.1693C>T, p.Arg565Trp (NM_001145771.3, NM_001370428.1, NM_001370429.1 and 4 more transcripts); c.1690C>T, p.Arg564Trp (NM_001145773.3, NM_001370433.1, NM_001370434.1); c.1183C>T, p.Arg395Trp (NM_001290142.2); c.1168C>T, p.Arg390Trp (NM_001290143.2); c.1150C>T, p.Arg384Trp (NM_001290144.2, NM_001370451.1, NM_001370453.1 and 1 more transcripts); c.1672C>T, p.Arg558Trp (NM_001370441.1); c.1519C>T, p.Arg507Trp (NM_001370442.1); short protein forms R565W, R558W, R384W, R507W, R564W, R390W, R395W, R559W.
Identifiers: ClinVar variation 5831 (VCV000005831.54), dbSNP rs121908464, ClinGen allele CA253611.
Genomic context (GRCh38, chr16:57,661,707, plus strand): 5'-AATGCTGCCCGTGCTGGCCACACGCTGAGCCCTCCTGCCTTTGCCCGCAGGTGCTGGATC[C>T]GGGACTCCCTGGTCAGCTACATCACCAACCTGGGCCTCTTCAGCCTGGTGTTTCTGTTCA-3'
Protein context (NP_958933.1, residues 549-569): GVIYPSMCWI[Arg559Trp]DSLVSYITNL